The following is an entry in ClinVar:

ClinVar aggregate classification (germline): Uncertain significance. Review status: criteria provided, single submitter (1 of 4 stars). 2 submissions from 2 submitters: Uncertain significance (1). 1 of the submissions does not count toward it. Last evaluated 2025-10-02.

Allele frequency attached by ClinVar (database versions not stated): TOPMed 0.00005.

Submissions (2):

Labcorp Genetics (formerly Invitae), Labcorp
Classification: Uncertain significance. Last evaluated: 2025-10-02. Review status: criteria provided, single submitter. Criteria: Invitae Variant Classification Sherloc (09022015). Collection method: clinical testing. Allele origin: germline.
Comment: This sequence change replaces glutamine, which is neutral and polar, with lysine, which is basic and polar, at codon 91 of the GCKR protein (p.Gln91Lys). This variant is present in population databases (rs747595070, gnomAD 0.01%). This missense change has been observed in individual(s) with dyslipidemia (PMID: 36325899). ClinVar contains an entry for this variant (Variation ID: 1050160). Invitae Evidence Modeling of protein sequence and biophysical properties (such as structural, functional, and spatial information, amino acid conservation, physicochemical variation, residue mobility, and thermodynamic stability) indicates that this missense variant is not expected to disrupt GCKR protein function with a negative predictive value of 80%. In summary, the available evidence is currently insufficient to determine the role of this variant in disease. Therefore, it has been classified as a Variant of Uncertain Significance.

Department of Pathology and Laboratory Medicine, Sinai Health System
Classification: Uncertain significance. Review status: no assertion criteria provided. Collection method: clinical testing. Allele origin: unknown. Affected: yes. Study: The Canadian Open Genetics Repository (COGR). Not counted in ClinVar's aggregate classification.
Comment: The GCKR p.Gln91Lys variant was not identified in the literature nor was it identified in ClinVar, Cosmic or LOVD 3.0. The variant was identified in dbSNP (ID: rs747595070) and was found in control databases in 22 of 282870 chromosomes at a frequency of 0.000078 (Genome Aggregation Database Feb 27, 2017). The variant was observed in the following populations: Other in 3 of 7222 chromosomes (freq: 0.000415), Latino in 5 of 35438 chromosomes (freq: 0.000141), European (non-Finnish) in 12 of 129180 chromosomes (freq: 0.000093) and South Asian in 2 of 30616 chromosomes (freq: 0.000065), while the variant was not observed in the African, Ashkenazi Jewish, East Asian or European (Finnish) populations. The variant occurs outside of the splicing consensus sequence and in silico or computational prediction software programs (SpliceSiteFinder, MaxEntScan, NNSPLICE, GeneSplicer) do not predict a difference in splicing. The p.Gln91 residue is not conserved in mammals and computational analyses (PolyPhen-2, SIFT, AlignGVGD, BLOSUM, MutationTaster) do not suggest a high likelihood of impact to the protein; however, this information is not predictive enough to rule out pathogenicity. In summary, based on the above information the clinical significance of this variant cannot be determined with certainty at this time. This variant is classified as a variant of uncertain significance.

Literature cited by the submitters: PubMed 36325899 (cited by Labcorp Genetics (formerly Invitae), Labcorp).

NM_001486.4(GCKR):c.271C>A (p.Gln91Lys)

Gene: GCKR (glucokinase regulator; plus strand). Cytogenetic location: 2p23.3.
Variant type: single nucleotide variant.
Coding change: c.271C>A on transcript NM_001486.4 (MANE Select); coding-DNA position 271, C replaced by A.
Protein change: p.Gln91Lys; replaces glutamine 91 with lysine.
Molecular consequence: missense variant.
Genome position (GRCh38, 1-based): chr2:27,497,616, C>A. VCF-style: chr2-27497616-C-A. GRCh37 (hg19) VCF-style: chr2-27720483-C-A.
Other names: short protein forms Q91K.
Identifiers: ClinVar variation 1050160 (VCV001050160.7), dbSNP rs747595070, ClinGen allele CA1581485.